The following is an entry in ClinVar:

ClinVar aggregate classification (germline): Uncertain significance (1 of 4 stars; one submission).

Conditions:
Familial acute necrotizing encephalopathy (IIAE3). Also called: ENCEPHALOPATHY, ACUTE, INFECTION-INDUCED, SUSCEPTIBILITY TO, 3; Susceptibility to Acute Necrotizing Encephalopathy 1. Identifiers: Orphanet 88619, MedGen C2675556, MONDO:0011953, OMIM 608033.

Submission:

Labcorp Genetics (formerly Invitae), Labcorp
Classification: Uncertain significance for Familial acute necrotizing encephalopathy. Last evaluated: 2020-07-01. Review status: criteria provided, single submitter. Criteria: Invitae Variant Classification Sherloc (09022015). Collection method: clinical testing. Allele origin: germline.
Comment: In summary, the available evidence is currently insufficient to determine the role of this variant in disease. Therefore, it has been classified as a Variant of Uncertain Significance. This sequence change replaces lysine with glutamic acid at codon 791 of the RANBP2 protein (p.Lys791Glu). The lysine residue is highly conserved and there is a small physicochemical difference between lysine and glutamic acid. This variant is not present in population databases (ExAC no frequency). This variant has not been reported in the literature in individuals with RANBP2-related conditions. Algorithms developed to predict the effect of missense changes on protein structure and function are either unavailable or do not agree on the potential impact of this missense change (SIFT: "Deleterious"; PolyPhen-2: "Benign"; Align-GVGD: "Class C55").

NM_006267.5(RANBP2):c.2371A>G (p.Lys791Glu)

Gene: RANBP2 (RAN binding protein 2; plus strand). Cytogenetic location: 2q13.
Variant type: single nucleotide variant.
Coding change: c.2371A>G on transcript NM_006267.5 (MANE Select); coding-DNA position 2371, A replaced by G.
Protein change: p.Lys791Glu; replaces lysine 791 with glutamic acid.
Molecular consequence: missense variant.
Genome position (GRCh38, 1-based): chr2:108,755,073, A>G. VCF-style: chr2-108755073-A-G. GRCh37 (hg19) VCF-style: chr2-109371529-A-G.
Other names: short protein forms K791E.
Identifiers: ClinVar variation 1054859 (VCV001054859.10), dbSNP rs1161237836, ClinGen allele CA348056056.